The following is an entry in ClinVar:

ClinVar aggregate classification (germline): Likely benign. Review status: criteria provided, multiple submitters, no conflicts (2 of 4 stars). 3 submissions from 3 submitters: Likely benign (3). Last evaluated 2026-01-07.

Allele frequency attached by ClinVar (database versions not stated): ESP Exome Variant Server 0.00008; ExAC 0.00009; gnomAD exomes 0.00011 and 0.00015; gnomAD 0.00016; TOPMed 0.00020.
gnomAD v4.1: 244 of 1,613,998 alleles (0.015%); highest among the groups gnomAD compares: Admixed American, 0.032%; no homozygotes.

Submissions (3):

Labcorp Genetics (formerly Invitae), Labcorp
Classification: Likely benign. Last evaluated: 2026-01-07. Review status: criteria provided, single submitter. Criteria: Invitae Variant Classification Sherloc (09022015). Collection method: clinical testing. Allele origin: germline.

Blueprint Genetics
Classification: Likely benign. Last evaluated: 2023-12-20. Review status: criteria provided, single submitter. Criteria: ACMG Guidelines, 2015. Collection method: clinical testing. Allele origin: germline.

CeGaT Center for Human Genetics Tuebingen
Classification: Likely benign. Last evaluated: 2022-05-01. Review status: criteria provided, single submitter. Criteria: CeGaT Center For Human Genetics Tuebingen Variant Classification Criteria Version 2. Collection method: clinical testing. Allele origin: germline. Affected: yes. Observed: 1 variant allele.
Comment: KMT2A: BP4, BP7

NM_001197104.2(KMT2A):c.11586C>T (p.Ala3862=)

Genes: KMT2A (lysine methyltransferase 2A; plus strand), TTC36-AS1 (TTC36 and KMT2A antisense RNA 1; minus strand). Cytogenetic location: 11q23.3.
Variant type: single nucleotide variant.
Coding change: c.11586C>T on transcript NM_001197104.2 (MANE Select); coding-DNA position 11586, C replaced by T.
Protein change: p.Ala3862=; no amino-acid change (alanine 3862 retained).
Molecular consequence: synonymous variant.
Genome position (GRCh38, 1-based): chr11:118,521,360, C>T. VCF-style: chr11-118521360-C-T. GRCh37 (hg19) VCF-style: chr11-118392075-C-T.
Other names: c.11577C>T, p.Ala3859= (NM_005933.4).
Identifiers: ClinVar variation 1662686 (VCV001662686.33), dbSNP rs200576371, ClinGen allele CA6304997.